The following is an entry in ClinVar:

ClinVar aggregate classification (germline): Pathogenic. Review status: criteria provided, multiple submitters, no conflicts (2 of 4 stars). 3 submissions from 3 submitters: Pathogenic (2). 1 of the submissions does not count toward it. Last evaluated 2024-11-08.

Conditions:
Neuronal ceroid lipofuscinosis. Also called: Neuronal Ceroid Lipofuscinoses. Identifiers: Orphanet 216, Orphanet 79263, MedGen C0027877, MONDO:0016295. Disease mechanism: loss of function.
Neuronal ceroid lipofuscinosis 8 (CLN8). Also called: CLN8-Related Neuronal Ceroid-Lipofuscinosis. Identifiers: Orphanet 168491, Orphanet 228354, Orphanet 79264, MedGen C1838570, MONDO:0010830, OMIM 600143.

Allele frequency attached by ClinVar (database versions not stated): gnomAD exomes below 0.00001; ExAC 0.00001.
gnomAD v4.1: 3 of 1,614,256 alleles (0.00019%); highest among the groups gnomAD compares: South Asian, 0.0011%; no homozygotes.

Submissions (3):

Women's Health and Genetics/Laboratory Corporation of America, LabCorp
Classification: Pathogenic for Neuronal ceroid lipofuscinosis. Last evaluated: 2024-11-08. Review status: criteria provided, single submitter. Criteria: LabCorp Variant Classification Summary - May 2015. Collection method: clinical testing. Allele origin: germline.
Comment: Variant summary: CLN8 c.763C>T (p.Gln255X) results in a premature termination codon, predicted to cause a truncation of the encoded protein. It is not expected to result in nonsense mediated decay, although a downstream variant has been classified as pathogenic. The variant allele was found at a frequency of 4e-06 in 251472 control chromosomes (gnomAD). c.763C>T has been reported in the literature in an individual affected with Neuronal Ceroid-Lipofuscinosis (Batten Disease; Beesley_2016). ClinVar contains an entry for this variant (Variation ID: 558594). Based on the evidence outlined above, the variant was classified as pathogenic.

Labcorp Genetics (formerly Invitae), Labcorp
Classification: Pathogenic for Neuronal ceroid lipofuscinosis. Last evaluated: 2024-08-21. Review status: criteria provided, single submitter. Criteria: Invitae Variant Classification Sherloc (09022015). Collection method: clinical testing. Allele origin: germline.
Comment: This sequence change creates a premature translational stop signal (p.Gln255*) in the CLN8 gene. While this is not anticipated to result in nonsense mediated decay, it is expected to disrupt the last 32 amino acid(s) of the CLN8 protein. This variant is present in population databases (rs746397087, gnomAD 0.003%). This premature translational stop signal has been observed in individual(s) with neuronal ceroid lipofuscinosis (PMID: 28116333). In at least one individual the data is consistent with being in trans (on the opposite chromosome) from a pathogenic variant. ClinVar contains an entry for this variant (Variation ID: 558594). This variant disrupts a region of the CLN8 protein in which other variant(s) (p.Trp263Cys) have been determined to be pathogenic (PMID: 15024724; internal data). This suggests that this is a clinically significant region of the protein, and that variants that disrupt it are likely to be disease-causing. For these reasons, this variant has been classified as Pathogenic.

Counsyl
Classification: Likely pathogenic for Neuronal ceroid lipofuscinosis 8. Last evaluated: 2018-06-06. Review status: no assertion criteria provided. Collection method: clinical testing. Allele origin: unknown. Not counted in ClinVar's aggregate classification.

Literature cited by the submitters: PubMed 28116333 (cited by 3 submitters); PubMed 15024724 (cited by Labcorp Genetics (formerly Invitae), Labcorp); PubMed 10861296 (cited by Counsyl).

NM_018941.4(CLN8):c.763C>T (p.Gln255Ter)

Gene: CLN8 (CLN8 transmembrane ER and ERGIC protein; plus strand). Cytogenetic location: 8p23.3.
Variant type: single nucleotide variant.
Coding change: c.763C>T on transcript NM_018941.4 (MANE Select); coding-DNA position 763, C replaced by T.
Protein change: p.Gln255Ter; replaces glutamine 255 with a stop codon.
Molecular consequence: nonsense.
Genome position (GRCh38, 1-based): chr8:1,780,469, C>T. VCF-style: chr8-1780469-C-T. GRCh37 (hg19) VCF-style: chr8-1728635-C-T.
Other names: short protein forms Q255*.
Identifiers: ClinVar variation 558594 (VCV000558594.8), dbSNP rs746397087, ClinGen allele CA4599348.